The following is an entry in ClinVar:

NM_032520.5(GNPTG):c.15_25dup (p.Leu9fs)

Genes: GNPTG (N-acetylglucosamine-1-phosphate transferase subunit gamma; plus strand), LOC130058158 (ATAC-STARR-seq lymphoblastoid silent region 6972; plus strand). Cytogenetic location: 16p13.3.
Variant type: Duplication.
Coding change: c.15_25dup on transcript NM_032520.5 (MANE Select); coding-DNA positions 15 to 25, 11 bases duplicated (GGCGCGGCTCC).
Protein change: p.Leu9fs; shifts the reading frame from leucine 9.
Molecular consequence: frameshift variant.
Genome position (GRCh38, 1-based): chr16:1,351,980-1,351,990, GGCGCGGCTCC duplicated. VCF-style (leftmost placement, unchanged base first): chr16-1351979-T-TGGCGCGGCTCC. GRCh37 (hg19) VCF-style: chr16-1401980-T-TGGCGCGGCTCC.
Other names: short protein forms L9fs.
Identifiers: ClinVar variation 2771288 (VCV002771288.3), dbSNP rs2548185517, ClinGen allele CA2697549620.
Genomic context (GRCh38, chr16:1,351,979, plus strand): 5'-CACGTGACCGTCACTTCACGTGACCGCGCGGCGGCCGCTGCGGCGCGATGGCGGCGGGGC[T>TGGCGCGGCTCC]GGCGCGGCTCCTGTTGCTCCTCGGGCTCTCGGCCGGCGGTGAGTGGCCCGGCCGTCCGCG-3'

ClinVar aggregate classification (germline): Pathogenic (1 of 4 stars; one submission).

Submission:

Labcorp Genetics (formerly Invitae), Labcorp
Classification: Pathogenic. Last evaluated: 2023-10-23. Review status: criteria provided, single submitter. Criteria: Invitae Variant Classification Sherloc (09022015). Collection method: clinical testing. Allele origin: germline.
Comment: This sequence change creates a premature translational stop signal (p.Leu9Argfs*23) in the GNPTG gene. It is expected to result in an absent or disrupted protein product. Loss-of-function variants in GNPTG are known to be pathogenic (PMID: 19370764, 20301784). This variant is not present in population databases (gnomAD no frequency). This variant has not been reported in the literature in individuals affected with GNPTG-related conditions. For these reasons, this variant has been classified as Pathogenic.

Literature cited by the submitters: PubMed 19370764; PubMed 20301784.